The following is an entry in ClinVar:

NM_001447.3(FAT2):c.4948G>A (p.Val1650Ile)

Genes: FAT2 (FAT atypical cadherin 2; minus strand), SLC36A1 (solute carrier family 36 member 1; plus strand). Cytogenetic location: 5q33.1.
Variant type: single nucleotide variant.
Coding change: c.4948G>A on transcript NM_001447.3 (MANE Select); coding-DNA position 4948, G replaced by A.
Protein change: p.Val1650Ile; replaces valine 1650 with isoleucine.
Molecular consequence: missense variant.
Genome position (GRCh38, 1-based): chr5:151,546,179, C>T on the plus strand (G>A on the coding strand, the complement: FAT2 is on the minus strand). VCF-style: chr5-151546179-C-T. GRCh37 (hg19) VCF-style: chr5-150925740-C-T.
Other names: c.4948G>A (NM_001447.2); short protein forms V1650I.
Identifiers: ClinVar variation 2082556 (VCV002082556.5), dbSNP rs145729602, ClinGen allele CA3521405.

ClinVar aggregate classification (germline): Uncertain significance. Review status: criteria provided, multiple submitters, no conflicts (2 of 4 stars). 2 submissions from 2 submitters: Uncertain significance (2). Last evaluated 2024-11-12.

Allele frequency attached by ClinVar (database versions not stated): gnomAD exomes 0.00004; ExAC 0.00009; gnomAD 0.00036; TOPMed 0.00036; 1000 Genomes Project 0.00040; ESP Exome Variant Server 0.00046; 1000 Genomes Project 30x 0.00047.
gnomAD v4.1: 112 of 1,614,186 alleles (0.0069%); highest among the groups gnomAD compares: African/African-American, 0.13%; 1 homozygote.

Submissions (2):

Labcorp Genetics (formerly Invitae), Labcorp
Classification: Uncertain significance. Last evaluated: 2024-11-12. Review status: criteria provided, single submitter. Criteria: Invitae Variant Classification Sherloc (09022015). Collection method: clinical testing. Allele origin: germline.
Comment: This sequence change replaces valine, which is neutral and non-polar, with isoleucine, which is neutral and non-polar, at codon 1650 of the FAT2 protein (p.Val1650Ile). This variant is present in population databases (rs145729602, gnomAD 0.1%), and has an allele count higher than expected for a pathogenic variant. This variant has not been reported in the literature in individuals affected with FAT2-related conditions. ClinVar contains an entry for this variant (Variation ID: 2082556). An algorithm developed to predict the effect of missense changes on protein structure and function outputs the following: PolyPhen-2: "Benign". The isoleucine amino acid residue is found in multiple mammalian species, which suggests that this missense change does not adversely affect protein function. In summary, the available evidence is currently insufficient to determine the role of this variant in disease. Therefore, it has been classified as a Variant of Uncertain Significance.

Ambry Genetics
Classification: Uncertain significance. Last evaluated: 2021-09-16. Review status: criteria provided, single submitter. Criteria: Ambry Variant Classification Scheme 2023. Collection method: clinical testing. Allele origin: germline.